The following is an entry in ClinVar:

ClinVar aggregate classification (germline): Uncertain significance (1 of 4 stars; one submission).

Conditions:
MEGF10-related myopathy (CMYO10A). Also called: Congenital myopathy 10A, severe variant. Identifiers: Orphanet 439212, MedGen C3280679, MONDO:0013731, OMIM 614399.

gnomAD v4.1: 34 of 1,611,734 alleles (0.0021%); highest among the groups gnomAD compares: Non-Finnish European, 0.0028%; no homozygotes.

Submission:

Labcorp Genetics (formerly Invitae), Labcorp
Classification: Uncertain significance for MEGF10-related myopathy. Last evaluated: 2025-04-08. Review status: criteria provided, single submitter. Criteria: Invitae Variant Classification Sherloc (09022015). Collection method: clinical testing. Allele origin: germline.
Comment: This sequence change falls in intron 20 of the MEGF10 gene. It does not directly change the encoded amino acid sequence of the MEGF10 protein. It affects a nucleotide within the consensus splice site. This variant is present in population databases (rs772979552, gnomAD 0.004%). This variant has not been reported in the literature in individuals affected with MEGF10-related conditions. Variants that disrupt the consensus splice site are a relatively common cause of aberrant splicing (PMID: 17576681, 9536098). Algorithms developed to predict the effect of sequence changes on RNA splicing suggest that this variant is not likely to affect RNA splicing. In summary, the available evidence is currently insufficient to determine the role of this variant in disease. Therefore, it has been classified as a Variant of Uncertain Significance.

Literature cited by the submitters: PubMed 17576681; PubMed 9536098.

NM_001256545.2(MEGF10):c.2491+3A>G

Gene: MEGF10 (multiple EGF like domains 10; plus strand). Cytogenetic location: 5q23.2.
Variant type: single nucleotide variant.
Coding change: c.2491+3A>G on transcript NM_001256545.2 (MANE Select); 3 bases into the intron after coding-DNA position 2491, A replaced by G.
Molecular consequence: intron variant.
Genome position (GRCh38, 1-based): chr5:127,443,129, A>G. VCF-style: chr5-127443129-A-G. GRCh37 (hg19) VCF-style: chr5-126778821-A-G.
Other names: c.2491+3A>G (NM_032446.3).
Identifiers: ClinVar variation 4751047 (VCV004751047.1).
Genomic context (GRCh38, chr5:127,443,129, plus strand): 5'-CACATCACTGGGACCTGTTACTGCAGCCCCGGATGGAAGGGAGCGAGATGTGATCAAGGT[A>G]AATATACTAGCTAATGTTTGTAGCACTGCAGTATTGTGTGAACACCATGTACCAGGCAAT-3'